The following is an entry in ClinVar:

NM_177438.3(DICER1):c.327del (p.Val110fs)

Gene: DICER1 (dicer 1, ribonuclease III; minus strand). Cytogenetic location: 14q32.13.
Variant type: Deletion.
Coding change: c.327del on transcript NM_177438.3 (MANE Select); coding-DNA position 327, one base deleted (A; older notation c.327delA).
Protein change: p.Val110fs; shifts the reading frame from valine 110.
Molecular consequence: frameshift variant. On other transcripts: 5 prime UTR variant (2), non-coding transcript variant (5), intron variant (6).
Genome position (GRCh38, 1-based): chr14:95,131,620, T deleted on the plus strand (A on the coding strand, the reverse complement: DICER1 is on the minus strand); the first of 2 consecutive T bases (chr14:95,131,620-95,131,621); deleting either gives the same sequence. VCF-style (leftmost placement, unchanged base first): chr14-95131619-CT-C. GRCh37 (hg19) VCF-style: chr14-95597956-CT-C.
Other names: c.327del, p.Val110fs (NM_001195573.1, NM_001271282.3, NM_001291628.2 and 14 more transcripts); c.45del, p.Val16fs (NM_001395686.1); c.-132del (NM_001395691.1); c.-1242del (NM_001395697.1); c.33+895del (NM_001395690.1, NM_001395687.1, NM_001395689.1 and 3 more transcripts); c.327delA (NM_177438.2); short protein forms V16fs, V110fs.
Identifiers: ClinVar variation 4011638 (VCV004011638.1).

ClinVar aggregate classification (germline): Pathogenic (1 of 4 stars; one submission).

Conditions:
Hereditary cancer-predisposing syndrome. Also called: Tumor predisposition; Hereditary neoplastic syndrome; Neoplastic Syndromes, Hereditary; Hereditary Cancer Syndrome. Identifiers: Orphanet 140162, MedGen C0027672, MeSH D009386, MONDO:0015356.

Submission:

Ambry Genetics
Classification: Pathogenic for Hereditary cancer-predisposing syndrome. Last evaluated: 2025-05-09. Review status: criteria provided, single submitter. Criteria: Ambry Variant Classification Scheme 2023. Collection method: clinical testing. Allele origin: germline.
Comment: The c.327delA pathogenic mutation, located in coding exon 3 of the DICER1 gene, results from a deletion of one nucleotide at nucleotide position 327, causing a translational frameshift with a predicted alternate stop codon (p.V110Cfs*18). This variant is considered to be rare based on population cohorts in the Genome Aggregation Database (gnomAD). This alteration is expected to result in loss of function by premature protein truncation or nonsense-mediated mRNA decay. As such, this alteration is interpreted as a disease-causing mutation.